The following is an entry in ClinVar:

NM_005560.6(LAMA5):c.3114G>A (p.Gln1038=)

Gene: LAMA5 (laminin subunit alpha 5; minus strand). Cytogenetic location: 20q13.33.
Variant type: single nucleotide variant.
Coding change: c.3114G>A on transcript NM_005560.6 (MANE Select); coding-DNA position 3114, G replaced by A.
Protein change: p.Gln1038=; no amino-acid change (glutamine 1038 retained).
Molecular consequence: synonymous variant.
Genome position (GRCh38, 1-based): chr20:62,333,389, C>T on the plus strand (G>A on the coding strand, the complement: LAMA5 is on the minus strand). VCF-style: chr20-62333389-C-T. GRCh37 (hg19) VCF-style: chr20-60908445-C-T.
Other names: c.3114G>A (NM_005560.4).
Identifiers: ClinVar variation 1596598 (VCV001596598.10), dbSNP rs765715375, ClinGen allele CA9943166.

ClinVar aggregate classification (germline): Likely benign. Review status: criteria provided, single submitter (1 of 4 stars). 2 submissions from 2 submitters: Likely benign (1). 1 of the submissions does not count toward it. Last evaluated 2021-11-19.

Conditions:
LAMA5-related disorder. Also called: LAMA5-Related Disorders; LAMA5-related condition.

Allele frequency attached by ClinVar (database versions not stated): TOPMed below 0.00001; ExAC 0.00001; gnomAD 0.00001; gnomAD exomes 0.00002.
gnomAD v4.1: 30 of 1,612,692 alleles (0.0019%); highest among the groups gnomAD compares: Middle Eastern, 0.066%; 1 homozygote.

Submissions (2):

Labcorp Genetics (formerly Invitae), Labcorp
Classification: Likely benign. Last evaluated: 2021-11-19. Review status: criteria provided, single submitter. Criteria: Invitae Variant Classification Sherloc (09022015). Collection method: clinical testing. Allele origin: germline.

PreventionGenetics, part of Exact Sciences
Classification: Likely benign for LAMA5-related condition. Last evaluated: 2024-02-02. Review status: no assertion criteria provided. Collection method: clinical testing. Allele origin: germline. Not counted in ClinVar's aggregate classification.
Comment: This variant is classified as likely benign based on ACMG/AMP sequence variant interpretation guidelines (Richards et al. 2015 PMID: 25741868, with internal and published modifications).